The following is an entry in ClinVar:

ClinVar aggregate classification (germline): Conflicting classifications of pathogenicity. Review status: criteria provided, conflicting classifications (1 of 4 stars). 7 submissions from 6 submitters: Uncertain significance (1); Benign (3). 3 of the submissions do not count toward it. Last evaluated 2026-08-01.

Conditions:
Hyperglycinuria. Also called: GLYCINURIA WITH OR WITHOUT OXALATE NEPHROLITHIASIS; GLYCINURIA WITH OR WITHOUT OXALATE UROLITHIASIS; IMINOGLYCINURIA TYPE II. Identifiers: MedGen C0543541, MONDO:0007677, OMIM 138500, HP:0003108.
Iminoglycinuria. Identifiers: Orphanet 42062, MedGen C0268654, MONDO:0009448, OMIM 242600.

Allele frequency attached by ClinVar (database versions not stated): ESP Exome Variant Server 0.00923; 1000 Genomes Project 30x 0.00437; TOPMed 0.00827; gnomAD 0.00867 and 0.00869; gnomAD exomes 0.00935; 1000 Genomes Project 0.00499; ExAC 0.00882.
gnomAD v4.1: 16,982 of 1,613,846 alleles (1.1%); highest among the groups gnomAD compares: Non-Finnish European, 1.2%; 119 homozygotes.

Submissions (7):

CeGaT Center for Human Genetics Tuebingen
Classification: Benign. Last evaluated: 2026-08-01. Review status: criteria provided, single submitter. Criteria: CeGaT Center For Human Genetics Tuebingen Variant Classification Criteria Version 2. Collection method: clinical testing. Allele origin: germline. Affected: yes. Observed: 3 variant alleles.
Comment: SLC36A2: BS1, BS2

Labcorp Genetics (formerly Invitae), Labcorp
Classification: Benign. Last evaluated: 2026-01-05. Review status: criteria provided, single submitter. Criteria: Invitae Variant Classification Sherloc (09022015). Collection method: clinical testing. Allele origin: germline.

Laboratory of Genetics, Children's Clinical University Hospital Latvia
Classification: Benign. Last evaluated: 2025-02-16. Review status: criteria provided, single submitter. Criteria: ACMG Guidelines, 2015. Collection method: clinical testing. Allele origin: germline. Affected: yes.

Mendelics
Classification: Uncertain significance for Hyperglycinuria. Last evaluated: 2019-05-28. Review status: criteria provided, single submitter. Criteria: Mendelics Assertion Criteria 2017. Collection method: clinical testing. Allele origin: unknown.

Reproductive Health Research and Development, BGI Genomics
Classification: Benign for Hyperglycinuria. Last evaluated: 2020-01-06. Review status: no assertion criteria provided. Collection method: curation. Allele origin: germline. Not counted in ClinVar's aggregate classification.
Comment: NM_181776.2:c.260G>T in the SLC36A2 gene has an allele frequency of 0.041 in Ashkenazi Jewish subpopulation in the gnomAD database, including 24 homozygous occurrences. Broer et al. reported this variant in a patient with iminoglycinuria . However, iminoglycinuria was only observed when homozygous SLC36A2 G87V was combined with SLC6A20 T199M (PMID: 19033659). Pathogenic computational verdict because pathogenic predictions from DANN, EIGEN, FATHMM-MKL, MutationAssessor, MutationTaster, PrimateAI and SIFT. Taken together, we interprete this variant as Benign/Likely benign variant. ACMG/AMP criteria applied: BS1; BS2; PP3.

OMIM
Classification: Affects for IMINOGLYCINURIA. Last evaluated: 2008-12-01. Review status: no assertion criteria provided. Collection method: literature only. Allele origin: germline. Not counted in ClinVar's aggregate classification.

OMIM
Classification: Affects for HYPERGLYCINURIA. Last evaluated: 2008-12-01. Review status: no assertion criteria provided. Collection method: literature only. Allele origin: germline. Not counted in ClinVar's aggregate classification.

Literature cited by the submitters: PubMed 19033659 (cited by OMIM).

NM_181776.3(SLC36A2):c.260G>T (p.Gly87Val)

Gene: SLC36A2 (solute carrier family 36 member 2; minus strand). Cytogenetic location: 5q33.1.
Variant type: single nucleotide variant.
Coding change: c.260G>T on transcript NM_181776.3 (MANE Select); coding-DNA position 260, G replaced by T.
Protein change: p.Gly87Val; replaces glycine 87 with valine.
Molecular consequence: missense variant.
Genome position (GRCh38, 1-based): chr5:151,343,594, C>A on the plus strand (G>T on the coding strand, the complement: SLC36A2 is on the minus strand). VCF-style: chr5-151343594-C-A. GRCh37 (hg19) VCF-style: chr5-150723155-C-A.
Other names: short protein forms G87V.
Identifiers: ClinVar variation 2384 (VCV000002384.36), dbSNP rs77010315, ClinGen allele CA115524.